The following is an entry in ClinVar:

ClinVar aggregate classification (germline): Likely pathogenic (1 of 4 stars; one submission).

Conditions:
46,XY sex reversal 3. Also called: 46,XY GONADAL DYSGENESIS, PARTIAL OR COMPLETE, WITH OR WITHOUT ADRENAL FAILURE; DISORDER OF SEX DEVELOPMENT, 46,XY, NR5A1-RELATED; NR5A1-related 46,XY complete gonadal dysgenesis; 46,XY SEX REVERSAL, PARTIAL OR COMPLETE, NR5A1-RELATED; SEX REVERSAL, XY, WITH OR WITHOUT ADRENAL FAILURE. Identifiers: MedGen C3489793, MONDO:0013066, OMIM 612965.

Submission:

Diagnostics Services (NGS), CSIR - Centre For Cellular And Molecular Biology
Classification: Likely pathogenic for 46,XY sex reversal 3. Last evaluated: 2022-01-18. Review status: criteria provided, single submitter. Criteria: ACMG Guidelines, 2015. Collection method: clinical testing. Allele origin: unknown. Inheritance: Autosomal dominant inheritance. Affected: yes. Observed: 1 variant allele, 1 heterozygote.
Comment: The c.44T>C variant is not present in publicly available population databases like Exome Variant Server (EVS) and Indian Exome Database, 1000 Genomes, Exome Aggregation Consortium (ExAC), Genome Aggregation Database (gnomAD), dbSNP and our in-house exome database. The variant is located in the mutational hotspot region of the gene and an alternative variant (p.Val15Met) in the same amino acid position was earlier reported as pathogenic (PMID: 17200175). In-silico pathogenicity prediction programs like MutationTaster2, CADD, Varsome etc. predicted this variant to be likely deleterious, however these predictions were not confirmed by any published functional studies.

Literature cited by the submitters: PubMed 17200175.

NM_004959.5(NR5A1):c.44T>C (p.Val15Ala)

Gene: NR5A1 (nuclear receptor subfamily 5 group A member 1; minus strand). Cytogenetic location: 9q33.3.
Variant type: single nucleotide variant.
Coding change: c.44T>C on transcript NM_004959.5 (MANE Select); coding-DNA position 44, T replaced by C.
Protein change: p.Val15Ala; replaces valine 15 with alanine.
Molecular consequence: missense variant.
Genome position (GRCh38, 1-based): chr9:124,503,352, A>G on the plus strand (T>C on the coding strand, the complement: NR5A1 is on the minus strand). VCF-style: chr9-124503352-A-G. GRCh37 (hg19) VCF-style: chr9-127265631-A-G.
Other names: short protein forms V15A.
Identifiers: ClinVar variation 1691292 (VCV001691292.4), dbSNP rs2131290009, ClinGen allele CA374890764.